The following is an entry in ClinVar:

NM_001174089.2(SLC4A11):c.2140del (p.Arg714fs)

Gene: SLC4A11 (solute carrier family 4 member 11; minus strand). Cytogenetic location: 20p13.
Variant type: Deletion.
Coding change: c.2140del on transcript NM_001174089.2 (MANE Select); coding-DNA position 2140, one base deleted (C; older notation c.2140delC).
Protein change: p.Arg714fs; shifts the reading frame from arginine 714.
Molecular consequence: frameshift variant. On other transcripts: non-coding transcript variant (3).
Genome position (GRCh38, 1-based): chr20:3,228,890, G deleted on the plus strand (C on the coding strand, the reverse complement: SLC4A11 is on the minus strand). VCF-style (leftmost placement, unchanged base first): chr20-3228889-CG-C. GRCh37 (hg19) VCF-style: chr20-3209535-CG-C.
Other names: c.2188del (NM_032034.3); c.2269del, p.Arg757fs (NM_001174090.2); c.2026del, p.Arg676fs (NM_001363745.2); c.2083del, p.Arg695fs (NM_001400277.1, NM_001400278.1, NM_001400279.1); c.2155del, p.Arg719fs (NM_001400280.1); c.2188del, p.Arg730fs (NM_032034.4); short protein forms R714fs, R730fs, R757fs, R676fs, R695fs, R719fs.
Identifiers: ClinVar variation 2803216 (VCV002803216.4), dbSNP rs2514522433, ClinGen allele CA2739277020.

ClinVar aggregate classification (germline): Pathogenic/Likely pathogenic. Review status: criteria provided, multiple submitters, no conflicts (2 of 4 stars). 2 submissions from 2 submitters: Pathogenic (1); Likely pathogenic (1). Last evaluated 2024-02-14.

Conditions:
Corneal dystrophy-perceptive deafness syndrome (CDPD). Also called: CORNEAL DYSTROPHY AND SENSORINEURAL DEAFNESS; HARBOYAN SYNDROME. Identifiers: Orphanet 1490, MedGen C1857572, MONDO:0009015, OMIM 217400.
Congenital hereditary endothelial dystrophy of cornea. Also called: Congenital hereditary endothelial dystrophy type II; Congenital hereditary endothelial dystrophy of the cornea; Maumenee corneal dystrophy; CORNEAL DYSTROPHY, CONGENITAL HEREDITARY ENDOTHELIAL; Corneal endothelial dystrophy, autosomal recessive. Identifiers: Orphanet 293603, MedGen C1857569, MONDO:0009019, OMIM 217700.
Corneal dystrophy, Fuchs endothelial, 4 (FECD4). Identifiers: Orphanet 98974, MedGen C2750450, MONDO:0013204, OMIM 613268.

Submissions (2):

Fulgent Genetics
Classification: Likely pathogenic for Corneal dystrophy-perceptive deafness syndrome; Congenital hereditary endothelial dystrophy of cornea; Corneal dystrophy, Fuchs endothelial, 4. Last evaluated: 2024-02-14. Review status: criteria provided, single submitter. Criteria: ACMG Guidelines, 2015. Collection method: clinical testing. Allele origin: germline.

Labcorp Genetics (formerly Invitae), Labcorp
Classification: Pathogenic. Last evaluated: 2023-03-31. Review status: criteria provided, single submitter. Criteria: Invitae Variant Classification Sherloc (09022015). Collection method: clinical testing. Allele origin: germline.
Comment: For these reasons, this variant has been classified as Pathogenic. This variant has not been reported in the literature in individuals affected with SLC4A11-related conditions. This variant is not present in population databases (gnomAD no frequency). This sequence change creates a premature translational stop signal (p.Arg730Glufs*5) in the SLC4A11 gene. It is expected to result in an absent or disrupted protein product. Loss-of-function variants in SLC4A11 are known to be pathogenic (PMID: 17220209, 17679935).

Literature cited by the submitters: PubMed 17220209 (cited by Labcorp Genetics (formerly Invitae), Labcorp); PubMed 17679935 (cited by Labcorp Genetics (formerly Invitae), Labcorp).